The following is an entry in ClinVar:

ClinVar aggregate classification (germline): Uncertain significance (1 of 4 stars; one submission).

Conditions:
Inborn genetic diseases. Identifiers: MedGen C0950123, MeSH D030342.

Submission:

Ambry Genetics
Classification: Uncertain significance for Inborn genetic diseases. Last evaluated: 2026-04-16. Review status: criteria provided, single submitter. Criteria: Ambry Variant Classification Scheme 2023. Collection method: clinical testing. Allele origin: germline.
Comment: The p.V464M variant (also known as c.1390G>A), located in coding exon 1 of the SAMD9L gene, results from a G to A substitution at nucleotide position 1390. The valine at codon 464 is replaced by methionine, an amino acid with highly similar properties. This amino acid position is conserved. In addition, this alteration is predicted to be tolerated by in silico analysis. Based on the available evidence, the clinical significance of this variant remains unclear.

NM_152703.5(SAMD9L):c.1390G>A (p.Val464Met)

Gene: SAMD9L (sterile alpha motif domain containing 9 like; minus strand). Cytogenetic location: 7q21.2.
Variant type: single nucleotide variant.
Coding change: c.1390G>A on transcript NM_152703.5 (MANE Select); coding-DNA position 1390, G replaced by A.
Protein change: p.Val464Met; replaces valine 464 with methionine.
Molecular consequence: missense variant.
Genome position (GRCh38, 1-based): chr7:93,134,582, C>T on the plus strand (G>A on the coding strand, the complement: SAMD9L is on the minus strand). VCF-style: chr7-93134582-C-T. GRCh37 (hg19) VCF-style: chr7-92763895-C-T.
Other names: c.1390G>A, p.Val464Met (NM_001350085.2, NM_001303496.3, NM_001303497.3 and 5 more transcripts); short protein forms V464M.
Identifiers: ClinVar variation 4863943 (VCV004863943.1).